The following is an entry in ClinVar:

NM_001004334.4(GPR179):c.3454T>C (p.Ser1152Pro)

Gene: GPR179 (G protein-coupled receptor 179; minus strand). Cytogenetic location: 17q12.
Variant type: single nucleotide variant.
Coding change: c.3454T>C on transcript NM_001004334.4 (MANE Select); coding-DNA position 3454, T replaced by C.
Protein change: p.Ser1152Pro; replaces serine 1152 with proline.
Molecular consequence: missense variant.
Genome position (GRCh38, 1-based): chr17:38,330,115, A>G on the plus strand (T>C on the coding strand, the complement: GPR179 is on the minus strand). VCF-style: chr17-38330115-A-G. GRCh37 (hg19) VCF-style: chr17-36485998-A-G.
Other names: short protein forms S1152P.
Identifiers: ClinVar variation 385325 (VCV000385325.42), dbSNP rs149252987, ClinGen allele CA16607218.

ClinVar aggregate classification (germline): Benign/Likely benign. Review status: criteria provided, multiple submitters, no conflicts (2 of 4 stars). 6 submissions from 6 submitters: Benign (3); Likely benign (3). Last evaluated 2026-01-29.

Conditions:
Congenital stationary night blindness 1E. Also called: Night blindness, congenital stationary (complete), 1E, autosomal recessive. Identifiers: Orphanet 215, MedGen C3281215, MONDO:0013807, OMIM 614565.

Allele frequency attached by ClinVar (database versions not stated): 1000 Genomes Project 0.00339; 1000 Genomes Project 30x 0.00344; gnomAD 0.00640 and 0.00689; gnomAD exomes 0.00649 and 0.00931; ExAC 0.00666; TOPMed 0.00678; ESP Exome Variant Server 0.00708.
gnomAD v4.1: 14,511 of 1,608,650 alleles (0.9%); highest among the groups gnomAD compares: Non-Finnish European, 1.1%; 94 homozygotes.

Submissions (6):

Labcorp Genetics (formerly Invitae), Labcorp
Classification: Benign. Last evaluated: 2026-01-29. Review status: criteria provided, single submitter. Criteria: Invitae Variant Classification Sherloc (09022015). Collection method: clinical testing. Allele origin: germline.

CeGaT Center for Human Genetics Tuebingen
Classification: Benign. Last evaluated: 2026-01-01. Review status: criteria provided, single submitter. Criteria: CeGaT Center For Human Genetics Tuebingen Variant Classification Criteria Version 2. Collection method: clinical testing. Allele origin: germline. Affected: yes. Observed: 3 variant alleles.
Comment: GPR179: BP4, BS1, BS2

Illumina Laboratory Services, Illumina
Classification: Likely benign for Congenital stationary night blindness 1E. Last evaluated: 2018-01-13. Review status: criteria provided, single submitter. Criteria: ICSL Variant Classification Criteria 13 December 2019. Collection method: clinical testing. Allele origin: germline.
Comment: This variant was observed in the ICSL laboratory as part of a predisposition screen in an ostensibly healthy population. It had not been previously curated by ICSL or reported in the Human Gene Mutation Database (HGMD: prior to June 1st, 2018), and was therefore a candidate for classification through an automated scoring system. Utilizing variant allele frequency, disease prevalence and penetrance estimates, and inheritance mode, an automated score was calculated to assess if this variant is too frequent to cause the disease. Based on the score and internal cut-off values, a variant classified as likely benign is not then subjected to further curation. The score for this variant resulted in a classification of likely benign for this disease.

Eurofins Ntd Llc (ga)
Classification: Benign. Last evaluated: 2017-07-25. Review status: criteria provided, single submitter. Criteria: EGL Classification Definitions 2015. Collection method: clinical testing. Allele origin: germline. Observed: 1 variant allele, 1 heterozygote.

GeneDx
Classification: Likely benign. Last evaluated: 2016-04-04. Review status: criteria provided, single submitter. Criteria: GeneDx Variant Classification (06012015). Collection method: clinical testing. Allele origin: germline. Affected: yes.
Comment: This variant is considered likely benign or benign based on one or more of the following criteria: it is a conservative change, it occurs at a poorly conserved position in the protein, it is predicted to be benign by multiple in silico algorithms, and/or has population frequency not consistent with disease.

Breakthrough Genomics
Classification: Likely benign. Review status: criteria provided, single submitter. Criteria: ACMG Guidelines, 2015. Collection method: not provided. Allele origin: germline. Inheritance: Autosomal recessive inheritance. Affected: yes.